The following is an entry in ClinVar:

NM_032119.4(ADGRV1):c.11314dup (p.Ser3772fs)

Gene: ADGRV1 (adhesion G protein-coupled receptor V1; plus strand). Cytogenetic location: 5q14.3.
Variant type: Duplication.
Coding change: c.11314dup on transcript NM_032119.4 (MANE Select); coding-DNA position 11314, one base duplicated (T; older notation c.11314dupT).
Protein change: p.Ser3772fs; shifts the reading frame from serine 3772.
Molecular consequence: frameshift variant. On other transcripts: non-coding transcript variant (1).
Genome position (GRCh38, 1-based): chr5:90,753,766, T duplicated. VCF-style (leftmost placement, unchanged base first): chr5-90753765-C-CT. GRCh37 (hg19) VCF-style: chr5-90049582-C-CT.
Other names: short protein forms S3772fs.
Identifiers: ClinVar variation 1935509 (VCV001935509.5), dbSNP rs2531619479, ClinGen allele CA2580073744.

ClinVar aggregate classification (germline): Pathogenic (1 of 4 stars; one submission).

Submission:

Labcorp Genetics (formerly Invitae), Labcorp
Classification: Pathogenic. Last evaluated: 2025-01-27. Review status: criteria provided, single submitter. Criteria: Invitae Variant Classification Sherloc (09022015). Collection method: clinical testing. Allele origin: germline.
Comment: This sequence change creates a premature translational stop signal (p.Ser3772Phefs*16) in the ADGRV1 gene. It is expected to result in an absent or disrupted protein product. Loss-of-function variants in ADGRV1 are known to be pathogenic (PMID: 19357117, 22135276, 22147658, 26226137, 30718709, 31047384, 32467589). This variant is not present in population databases (gnomAD no frequency). This variant has not been reported in the literature in individuals affected with ADGRV1-related conditions. ClinVar contains an entry for this variant (Variation ID: 1935509). For these reasons, this variant has been classified as Pathogenic.

Literature cited by the submitters: PubMed 19357117; PubMed 22135276; PubMed 22147658; PubMed 26226137; PubMed 30718709; PubMed 31047384; PubMed 32467589.